The following is an entry in ClinVar:

ClinVar aggregate classification (germline): Uncertain significance (1 of 4 stars; one submission).

Submission:

Labcorp Genetics (formerly Invitae), Labcorp
Classification: Uncertain significance. Last evaluated: 2026-01-27. Review status: criteria provided, single submitter. Criteria: Invitae Variant Classification Sherloc (09022015). Collection method: clinical testing. Allele origin: germline.
Comment: This variant, c.3565_3567del, results in the deletion of 1 amino acid(s) of the RERE protein (p.Glu1189del), but otherwise preserves the integrity of the reading frame. The frequency data for this variant in the population databases is considered unreliable, as metrics indicate poor data quality at this position in the gnomAD database. This variant has not been reported in the literature in individuals affected with RERE-related conditions. Experimental studies and prediction algorithms are not available or were not evaluated, and the functional significance of this variant is currently unknown. In summary, the available evidence is currently insufficient to determine the role of this variant in disease. Therefore, it has been classified as a Variant of Uncertain Significance.

NM_001042681.2(RERE):c.3565_3567del (p.Glu1189del)

Gene: RERE (arginine-glutamic acid dipeptide repeats; minus strand). Cytogenetic location: 1p36.23.
Variant type: Deletion.
Coding change: c.3565_3567del on transcript NM_001042681.2 (MANE Select); coding-DNA positions 3565 to 3567, 3 bases deleted (GAG; older notation c.3565_3567delGAG).
Protein change: p.Glu1189del; deletes glutamic acid 1189.
Molecular consequence: inframe deletion.
Genome position (GRCh38, 1-based): chr1:8,359,815-8,359,817, CTC deleted on the plus strand (GAG on the coding strand, the reverse complement: RERE is on the minus strand); deleting any 3 consecutive bases within chr1:8,359,815-8,359,819 gives the same sequence; the c. name uses the placement nearest the transcript's 3' end. VCF-style (leftmost placement, unchanged base first): chr1-8359814-TCTC-T. GRCh37 (hg19) VCF-style: chr1-8419874-TCTC-T.
Other names: c.1903_1905del, p.Glu635del (NM_001042682.2); c.3565_3567del, p.Glu1189del (NM_012102.4); short protein forms E1189del, E635del.
Identifiers: ClinVar variation 4741198 (VCV004741198.1).